The following is an entry in ClinVar:

NM_002047.4(GARS1):c.301C>T (p.Arg101Cys)

Gene: GARS1 (glycyl-tRNA synthetase 1; plus strand). Cytogenetic location: 7p14.3.
Variant type: single nucleotide variant.
Coding change: c.301C>T on transcript NM_002047.4 (MANE Select); coding-DNA position 301, C replaced by T.
Protein change: p.Arg101Cys; replaces arginine 101 with cysteine.
Molecular consequence: missense variant.
Genome position (GRCh38, 1-based): chr7:30,598,874, C>T. VCF-style: chr7-30598874-C-T. GRCh37 (hg19) VCF-style: chr7-30638490-C-T.
Other names: c.301C>T (LRG_243t1); c.139C>T, p.Arg47Cys (NM_001316772.1); short protein forms R47C, R101C.
Identifiers: ClinVar variation 665249 (VCV000665249.13), dbSNP rs746056671, ClinGen allele CA4205642.
Genomic context (GRCh38, chr7:30,598,874, plus strand): 5'-CTCAAAGAAGATAAAGCACCCCAAGTAGACGTAGACAAAGCAGTGGCTGAGCTCAAAGCC[C>T]GCAAGAGGGTTCTGGAAGCAAAGGTGAGTCCTGGGATGCTAAAATAGGAACATAAGTAGG-3'
Protein context (NP_002038.2, residues 91-111): VDKAVAELKA[Arg101Cys]KRVLEAKELA

ClinVar aggregate classification (germline): Conflicting classifications of pathogenicity. Review status: criteria provided, conflicting classifications (1 of 4 stars). 4 submissions from 4 submitters: Uncertain significance (3); Likely benign (1). Last evaluated 2025-08-01.

Conditions:
Charcot-Marie-Tooth disease type 2. Also called: Charcot-Marie-Tooth type 2. Identifiers: Orphanet 64746, MedGen C0270914, MONDO:0018993.
Charcot-Marie-Tooth disease. Also called: Charcot-Marie-Tooth Neuropathy; Charcot-Marie-Tooth Hereditary Neuropathy. Identifiers: Orphanet 166, MedGen C0007959, MONDO:0015626.

Allele frequency attached by ClinVar (database versions not stated): TOPMed 0.00012; gnomAD 0.00013 and 0.00014.
gnomAD v4.1: 63 of 1,613,860 alleles (0.0039%); highest among the groups gnomAD compares: Admixed American, 0.04%; no homozygotes.

Submissions (4):

GeneDx
Classification: Uncertain significance. Last evaluated: 2025-08-01. Review status: criteria provided, single submitter. Criteria: GeneDx Variant Classification Process June 2021. Collection method: clinical testing. Allele origin: germline. Affected: yes.
Comment: Has not been previously published as pathogenic or benign to our knowledge; In silico analysis supports that this missense variant has a deleterious effect on protein structure/function

Labcorp Genetics (formerly Invitae), Labcorp
Classification: Likely benign for Charcot-Marie-Tooth disease type 2. Last evaluated: 2023-05-15. Review status: criteria provided, single submitter. Criteria: Invitae Variant Classification Sherloc (09022015). Collection method: clinical testing. Allele origin: germline.

Ambry Genetics
Classification: Uncertain significance. Last evaluated: 2021-07-09. Review status: criteria provided, single submitter. Criteria: Ambry Variant Classification Scheme 2023. Collection method: clinical testing. Allele origin: germline.

Molecular Genetics Laboratory, London Health Sciences Centre
Classification: Uncertain significance for Charcot-Marie-Tooth disease. Review status: criteria provided, single submitter. Criteria: ACMG Guidelines, 2015. Collection method: clinical testing. Allele origin: germline. Affected: yes.